The following is an entry in ClinVar:

ClinVar aggregate classification (germline): Likely benign (1 of 4 stars; one submission).

gnomAD v4.1: 19 of 1,474,238 alleles (0.0013%); highest among the groups gnomAD compares: Non-Finnish European, 0.0015%; no homozygotes.

Submission:

CeGaT Center for Human Genetics Tuebingen
Classification: Likely benign. Last evaluated: 2026-04-01. Review status: criteria provided, single submitter. Criteria: CeGaT Center For Human Genetics Tuebingen Variant Classification Criteria Version 2. Collection method: clinical testing. Allele origin: germline. Affected: yes. Observed: 1 variant allele.
Comment: ERI1: BP4, BP7

NM_153332.4(ERI1):c.141G>A (p.Glu47=)

Gene: ERI1 (exoribonuclease 1). Cytogenetic location: 8p23.1.
Variant type: single nucleotide variant.
Coding change: c.141G>A on transcript NM_153332.4 (MANE Select); coding-DNA position 141, G replaced by A.
Protein change: p.Glu47=; no amino-acid change (glutamic acid 47 retained).
Molecular consequence: synonymous variant. On other transcripts: 5 prime UTR variant (2).
Genome position (GRCh38, 1-based): chr8:9,008,002, G>A. VCF-style: chr8-9008002-G-A. GRCh37 (hg19) VCF-style: chr8-8865512-G-A.
Other names: c.-94G>A (NM_001354635.2); c.-384G>A (NM_001354636.2); c.141G>A, p.Glu47= (NM_001354638.2).
Identifiers: ClinVar variation 4873742 (VCV004873742.2).